The following is an entry in ClinVar:

NM_000127.3(EXT1):c.887C>T (p.Thr296Ile)

Gene: EXT1 (exostosin glycosyltransferase 1; minus strand). Cytogenetic location: 8q24.11.
Variant type: single nucleotide variant.
Coding change: c.887C>T on transcript NM_000127.3 (MANE Select); coding-DNA position 887, C replaced by T.
Protein change: p.Thr296Ile; replaces threonine 296 with isoleucine.
Molecular consequence: missense variant.
Genome position (GRCh38, 1-based): chr8:118,110,160, G>A on the plus strand (C>T on the coding strand, the complement: EXT1 is on the minus strand). VCF-style: chr8-118110160-G-A. GRCh37 (hg19) VCF-style: chr8-119122399-G-A.
Other names: short protein forms T296I.
Identifiers: ClinVar variation 3714231 (VCV003714231.2).

ClinVar aggregate classification (germline): Uncertain significance (1 of 4 stars; one submission).

Conditions:
Multiple congenital exostosis (EXT). Also called: MULTIPLE CARTILAGINOUS EXOSTOSES; Multiple exostoses; Hereditary multiple osteochondromas; Hereditary multiple exostoses; Hereditary multiple exostosis; Multiple osteochondromas. Identifiers: Orphanet 321, MedGen C0015306, MONDO:0005508, HP:0002762.

gnomAD v4.1: 2 of 1,614,080 alleles (0.00012%); highest among the groups gnomAD compares: Non-Finnish European, 0.000085%; no homozygotes.

Submission:

Labcorp Genetics (formerly Invitae), Labcorp
Classification: Uncertain significance for Multiple congenital exostosis. Last evaluated: 2024-06-23. Review status: criteria provided, single submitter. Criteria: Invitae Variant Classification Sherloc (09022015). Collection method: clinical testing. Allele origin: germline.
Comment: This sequence change replaces threonine, which is neutral and polar, with isoleucine, which is neutral and non-polar, at codon 296 of the EXT1 protein (p.Thr296Ile). This variant is not present in population databases (gnomAD no frequency). This variant has not been reported in the literature in individuals affected with EXT1-related conditions. Advanced modeling of protein sequence and biophysical properties (such as structural, functional, and spatial information, amino acid conservation, physicochemical variation, residue mobility, and thermodynamic stability) performed at Invitae indicates that this missense variant is expected to disrupt EXT1 protein function with a positive predictive value of 80%. In summary, the available evidence is currently insufficient to determine the role of this variant in disease. Therefore, it has been classified as a Variant of Uncertain Significance.